The following is an entry in ClinVar:

ClinVar aggregate classification (germline): Uncertain significance (1 of 4 stars; one submission).

Conditions:
Vesicoureteral reflux 2 (VUR2). Identifiers: Orphanet 289365, MedGen C1970483, MONDO:0012573, OMIM 610878.

gnomAD v4.1: 28 of 1,613,982 alleles (0.0017%); highest among the groups gnomAD compares: African/African-American, 0.037%; no homozygotes.

Submission:

Johns Hopkins Genomics, Johns Hopkins University
Classification: Uncertain significance for Vesicoureteral reflux 2. Last evaluated: 2024-03-07. Review status: criteria provided, single submitter. Criteria: ACMG Guidelines, 2015. Collection method: clinical testing. Allele origin: germline.
Comment: This ROBO2 missense variant (rs370723000 ) is rare (<0.1%) in a large population dataset (gnomADv4.0.0: 28/1613982 total alleles; 0.002%; no homozygotes). It has not been reported in ClinVar, nor the literature, to our knowledge. Of two bioinformatics tools queried, one predicts that the substitution would be damaging, while the other predicts that it would be tolerated, and the threonine residue at this position is evolutionarily conserved across all of the species assessed. We consider the clinical significance of c.2953A>G in ROBO2 to be uncertain at this time.

NM_001395656.1(ROBO2):c.2953A>G (p.Thr985Ala)

Gene: ROBO2 (roundabout guidance receptor 2; plus strand). Cytogenetic location: 3p12.3.
Variant type: single nucleotide variant.
Coding change: c.2953A>G on transcript NM_001395656.1 (MANE Select); coding-DNA position 2953, A replaced by G.
Protein change: p.Thr985Ala; replaces threonine 985 with alanine.
Molecular consequence: missense variant.
Genome position (GRCh38, 1-based): chr3:77,602,296, A>G. VCF-style: chr3-77602296-A-G. GRCh37 (hg19) VCF-style: chr3-77651447-A-G.
Other names: c.3001A>G, p.Thr1001Ala (NM_001378203.1, NM_001378190.1, NM_001378191.1 and 4 more transcripts); c.3010A>G, p.Thr1004Ala (NM_001394212.1, NM_001394214.1, NM_001395657.1); c.3022A>G, p.Thr1008Ala (NM_001394213.1, NM_001378192.1, NM_001378194.1 and 2 more transcripts); c.2941A>G, p.Thr981Ala (NM_002942.5, NM_001378193.1, NM_001378197.1); c.2989A>G, p.Thr997Ala (NM_001128929.3); c.2953A>G, p.Thr985Ala (NM_001290039.2, NM_001290040.2, NM_001378202.1); c.1162A>G, p.Thr388Ala (NM_001290065.2); short protein forms T1001A, T1004A, T1008A, T388A, T981A, T985A, T997A.
Identifiers: ClinVar variation 4280021 (VCV004280021.1).